The following is an entry in ClinVar:

NM_000545.8(HNF1A):c.34C>G (p.Leu12Val)

Gene: HNF1A (HNF1 homeobox A; plus strand). Cytogenetic location: 12q24.31.
Variant type: single nucleotide variant.
Coding change: c.34C>G on transcript NM_000545.8 (MANE Select); coding-DNA position 34, C replaced by G.
Protein change: p.Leu12Val; replaces leucine 12 with valine.
Molecular consequence: missense variant.
Genome position (GRCh38, 1-based): chr12:120,978,802, C>G. VCF-style: chr12-120978802-C-G. GRCh37 (hg19) VCF-style: chr12-121416605-C-G.
Other names: NM_001306179.2:c.34C>G; NM_000545.8(HNF1A):c.34C>G; p.Leu12Val; c.34C>G, p.Leu12Val (NM_001306179.2); short protein forms L12V.
Identifiers: ClinVar variation 1675062 (VCV001675062.7), dbSNP rs1275805852, ClinGen allele CA386952398.

ClinVar aggregate classification (germline): Likely pathogenic. Review status: reviewed by expert panel (3 of 4 stars). 2 submissions from 2 submitters: Likely pathogenic (1). 1 of the submissions does not count toward it. Last evaluated 2025-06-09.

Conditions:
Monogenic diabetes. Identifiers: Orphanet 183625, MedGen C3888631, MONDO:0015967.

Allele frequency attached by ClinVar (database versions not stated): gnomAD exomes below 0.00001.
gnomAD v4.1: 1 of 1,613,094 alleles (0.000062%); highest among the groups gnomAD compares: South Asian, 0.0011%; no homozygotes.

Submissions (2):

ClinGen Monogenic Diabetes Variant Curation Expert Panel
Classification: Likely pathogenic for Monogenic diabetes. Last evaluated: 2025-06-09. Review status: reviewed by expert panel. Criteria: ClinGen Diabetes ACMG Specifications HNF1A V2.1.0. Collection method: curation. Allele origin: germline. Inheritance: Autosomal dominant inheritance.
Comment: The c.34C>G variant in the HNF1 homeobox A gene, HNF1A, causes an amino acid change of leucine to valine at codon 12 (p.(Leu12Val)) of NM_000545.8. This variant is absent from gnomAD v2.1.1 (PM2_Supporting).  Additionally, this variant is located within the dimerization domain of HNF1A, which is defined as critical for the protein’s function by the ClinGen MDEP (PM1_Supporting).  This variant is predicted to be deleterious by computational evidence, with a REVEL score of 0.861, which is greater than the MDEP threshold of 0.70 (PP3). This variant was identified in 2 unrelated individuals with non-autoimmune and non-absolute/near-absolute insulin-deficient diabetes; however, PS4_Moderate cannot be applied because this number is below the ClinGen MDEP threshold (internal lab contributors). One of these individuals had a clinical history highly specific for HNF1A-MODY (MODY probability calculator result >50%, negative genetic testing for HNF4A, and response to low-dose sulfonylurea) (PP4_Moderate; internal lab contributor).  Lastly, another missense variant at the same amino acid position, c.34C>T (p.Leu12Phe), has been classified as likely pathogenic by the ClinGen MDEP (PM5_Supporting). In summary, this variant meets the criteria to be classified as likely pathogenic for monogenic diabetes. ACMG/AMP criteria applied, as specified by the ClinGen MDEP (specification version 2.1.0, approved 8/11/2023): PM2_Supporting, PM1_Supporting, PP3, PP4_Moderate, PM5_Supporting.

Labcorp Genetics (formerly Invitae), Labcorp
Classification: Uncertain significance. Last evaluated: 2025-10-03. Review status: criteria provided, single submitter. Criteria: Invitae Variant Classification Sherloc (09022015). Collection method: clinical testing. Allele origin: germline. Not counted in ClinVar's aggregate classification.
Comment: This sequence change replaces leucine, which is neutral and non-polar, with valine, which is neutral and non-polar, at codon 12 of the HNF1A protein (p.Leu12Val). This variant is not present in population databases (gnomAD no frequency). This missense change has been observed in individual(s) with clinical features of HNF1A-related conditions (PMID: 34789499, 36257325). ClinVar contains an entry for this variant (Variation ID: 1675062). Invitae Evidence Modeling of protein sequence and biophysical properties (such as structural, functional, and spatial information, amino acid conservation, physicochemical variation, residue mobility, and thermodynamic stability) indicates that this missense variant is not expected to disrupt HNF1A protein function with a negative predictive value of 80%. This variant disrupts the p.Leu12 amino acid residue in HNF1A. Other variant(s) that disrupt this residue have been observed in individuals with HNF1A-related conditions (PMID: 9287053, 15928245, 31291970), which suggests that this may be a clinically significant amino acid residue. In summary, the available evidence is currently insufficient to determine the role of this variant in disease. Therefore, it has been classified as a Variant of Uncertain Significance.

Literature cited by the submitters: PubMed 34789499 (cited by Labcorp Genetics (formerly Invitae), Labcorp); PubMed 36257325 (cited by Labcorp Genetics (formerly Invitae), Labcorp); PubMed 9287053 (cited by Labcorp Genetics (formerly Invitae), Labcorp); PubMed 15928245 (cited by Labcorp Genetics (formerly Invitae), Labcorp); PubMed 31291970 (cited by Labcorp Genetics (formerly Invitae), Labcorp).